The following is an entry in ClinVar:

NM_020247.5(COQ8A):c.1358del (p.Leu453fs)

Gene: COQ8A (coenzyme Q8A; plus strand). Cytogenetic location: 1q42.13.
Variant type: Deletion.
Coding change: c.1358del on transcript NM_020247.5 (MANE Select); coding-DNA position 1358, one base deleted (T; older notation c.1358delT).
Protein change: p.Leu453fs; shifts the reading frame from leucine 453.
Molecular consequence: frameshift variant.
Genome position (GRCh38, 1-based): chr1:226,984,195, T deleted. VCF-style (leftmost placement, unchanged base first): chr1-226984194-CT-C. GRCh37 (hg19) VCF-style: chr1-227171895-CT-C.
Other names: short protein forms L453fs.
Identifiers: ClinVar variation 801627 (VCV000801627.6), dbSNP rs1271428051, ClinGen allele CA732366170.

ClinVar aggregate classification (germline): Pathogenic. Review status: criteria provided, multiple submitters, no conflicts (2 of 4 stars). 2 submissions from 2 submitters: Pathogenic (2). Last evaluated 2026-01-12.

Conditions:
Autosomal recessive ataxia due to ubiquinone deficiency. Also called: SPINOCEREBELLAR ATAXIA, AUTOSOMAL RECESSIVE 9; Coenzyme Q10 deficiency, primary, 4. Identifiers: Orphanet 139485, MedGen C2677589, MONDO:0012784, OMIM 612016.

Allele frequency attached by ClinVar (database versions not stated): gnomAD 0.00001; gnomAD exomes 0.00001; TOPMed 0.00001.

Submissions (2):

Labcorp Genetics (formerly Invitae), Labcorp
Classification: Pathogenic. Last evaluated: 2026-01-12. Review status: criteria provided, single submitter. Criteria: Invitae Variant Classification Sherloc (09022015). Collection method: clinical testing. Allele origin: germline.
Comment: This sequence change creates a premature translational stop signal (p.Leu453Argfs*24) in the COQ8A gene. It is expected to result in an absent or disrupted protein product. Loss-of-function variants in COQ8A are known to be pathogenic (PMID: 18319074, 20580948). This variant is not present in population databases (gnomAD no frequency). This premature translational stop signal has been observed in individual(s) with clinical features of coenzyme Q10 deficiency (PMID: 24164873). ClinVar contains an entry for this variant (Variation ID: 801627). For these reasons, this variant has been classified as Pathogenic.

Mendelics
Classification: Pathogenic for Autosomal recessive ataxia due to ubiquinone deficiency. Last evaluated: 2019-05-28. Review status: criteria provided, single submitter. Criteria: Mendelics Assertion Criteria 2017. Collection method: clinical testing. Allele origin: unknown.

Literature cited by the submitters: PubMed 18319074 (cited by Labcorp Genetics (formerly Invitae), Labcorp); PubMed 20580948 (cited by Labcorp Genetics (formerly Invitae), Labcorp); PubMed 24164873 (cited by Labcorp Genetics (formerly Invitae), Labcorp).